The following is an entry in ClinVar:

ClinVar aggregate classification (germline): Uncertain significance (1 of 4 stars; one submission).

Conditions:
Dyskeratosis congenita, autosomal dominant 2. Identifiers: MedGen C3151443, MONDO:0013521, OMIM 613989.
Idiopathic Pulmonary Fibrosis. Also called: Idiopathic fibrosing alveolitis, chronic form; idiopathic fibrosing alveolitis. Identifiers: Orphanet 2032, MedGen C1800706, MeSH D054990, MONDO:0800504.

Submission:

Labcorp Genetics (formerly Invitae), Labcorp
Classification: Uncertain significance for Dyskeratosis congenita, autosomal dominant 2; Idiopathic Pulmonary Fibrosis. Last evaluated: 2022-03-03. Review status: criteria provided, single submitter. Criteria: Invitae Variant Classification Sherloc (09022015). Collection method: clinical testing. Allele origin: germline.
Comment: Advanced modeling of protein sequence and biophysical properties (such as structural, functional, and spatial information, amino acid conservation, physicochemical variation, residue mobility, and thermodynamic stability) performed at Invitae indicates that this missense variant is expected to disrupt TERT protein function. In summary, the available evidence is currently insufficient to determine the role of this variant in disease. Therefore, it has been classified as a Variant of Uncertain Significance. This variant has not been reported in the literature in individuals affected with TERT-related conditions. This variant is not present in population databases (gnomAD no frequency). This sequence change replaces arginine, which is basic and polar, with proline, which is neutral and non-polar, at codon 11 of the TERT protein (p.Arg11Pro).

NM_198253.3(TERT):c.32G>C (p.Arg11Pro)

Genes: TERT (telomerase reverse transcriptase; minus strand), LOC110806263 (TERT 5' regulatory region; plus strand). Cytogenetic location: 5p15.33.
Variant type: single nucleotide variant.
Coding change: c.32G>C on transcript NM_198253.3 (MANE Select); coding-DNA position 32, G replaced by C.
Protein change: p.Arg11Pro; replaces arginine 11 with proline.
Molecular consequence: missense variant. On other transcripts: non-coding transcript variant (2).
Genome position (GRCh38, 1-based): chr5:1,294,958, C>G on the plus strand (G>C on the coding strand, the complement: TERT is on the minus strand). VCF-style: chr5-1294958-C-G. GRCh37 (hg19) VCF-style: chr5-1295073-C-G.
Other names: c.32G>C, p.Arg11Pro (NM_001193376.3, NM_003219.1); short protein forms R11P.
Identifiers: ClinVar variation 2155483 (VCV002155483.4), dbSNP rs2126692884, ClinGen allele CA359059891.